The following is an entry in ClinVar:

NM_001510.4(GRID2):c.1203T>C (p.Leu401=)

Gene: GRID2 (glutamate ionotropic receptor delta type subunit 2; plus strand). Cytogenetic location: 4q22.2.
Variant type: single nucleotide variant.
Coding change: c.1203T>C on transcript NM_001510.4 (MANE Select); coding-DNA position 1203, T replaced by C.
Protein change: p.Leu401=; no amino-acid change (leucine 401 retained).
Molecular consequence: synonymous variant.
Genome position (GRCh38, 1-based): chr4:93,238,448, T>C. VCF-style: chr4-93238448-T-C. GRCh37 (hg19) VCF-style: chr4-94159599-T-C.
Other names: p.Leu401=; c.918T>C, p.Leu306= (NM_001286838.1).
Identifiers: ClinVar variation 790447 (VCV000790447.41), dbSNP rs80091080, ClinGen allele CA3012194.

ClinVar aggregate classification (germline): Benign. Review status: criteria provided, multiple submitters, no conflicts (2 of 4 stars). 5 submissions from 5 submitters: Benign (4). 1 of the submissions does not count toward it. Last evaluated 2026-09-01.

Allele frequency attached by ClinVar (database versions not stated): 1000 Genomes Project 30x 0.00359; 1000 Genomes Project 0.00379; ExAC 0.00748; gnomAD exomes 0.00799; gnomAD 0.00824 and 0.00850; TOPMed 0.00921; ESP Exome Variant Server 0.00938.
gnomAD v4.1: 17,915 of 1,609,980 alleles (1.1%); highest among the groups gnomAD compares: Non-Finnish European, 1.4%; 134 homozygotes.

Submissions (5):

CeGaT Center for Human Genetics Tuebingen
Classification: Benign. Last evaluated: 2026-09-01. Review status: criteria provided, single submitter. Criteria: CeGaT Center For Human Genetics Tuebingen Variant Classification Criteria Version 2. Collection method: clinical testing. Allele origin: germline. Affected: yes. Observed: 47 variant alleles.
Comment: GRID2: BP4, BP7, BS1, BS2

Labcorp Genetics (formerly Invitae), Labcorp
Classification: Benign. Last evaluated: 2026-01-25. Review status: criteria provided, single submitter. Criteria: Invitae Variant Classification Sherloc (09022015). Collection method: clinical testing. Allele origin: germline.

Mayo Clinic Laboratories, Mayo Clinic
Classification: Benign. Last evaluated: 2023-08-10. Review status: criteria provided, single submitter. Criteria: ACMG Guidelines, 2015. Collection method: clinical testing. Allele origin: germline. Observed: 11 variant alleles.
Comment: BS1, BS2

Breakthrough Genomics
Classification: Benign. Review status: criteria provided, single submitter. Criteria: ACMG Guidelines, 2015. Collection method: not provided. Allele origin: germline. Inheritance: Autosomal recessive inheritance. Affected: yes.

Department of Pathology and Laboratory Medicine, Sinai Health System
Classification: Uncertain significance. Review status: no assertion criteria provided. Collection method: clinical testing. Allele origin: unknown. Affected: yes. Study: The Canadian Open Genetics Repository (COGR). Not counted in ClinVar's aggregate classification.